The following is an entry in ClinVar:

NM_003361.4(UMOD):c.1284C>G (p.Pro428=)

Gene: UMOD (uromodulin; minus strand). Cytogenetic location: 16p12.3.
Variant type: single nucleotide variant.
Coding change: c.1284C>G on transcript NM_003361.4 (MANE Select); coding-DNA position 1284, C replaced by G.
Protein change: p.Pro428=; no amino-acid change (proline 428 retained).
Molecular consequence: synonymous variant. On other transcripts: non-coding transcript variant (1).
Genome position (GRCh38, 1-based): chr16:20,344,071, G>C on the plus strand (C>G on the coding strand, the complement: UMOD is on the minus strand). VCF-style: chr16-20344071-G-C. GRCh37 (hg19) VCF-style: chr16-20355393-G-C.
Other names: c.1284C>G, p.Pro428= (NM_001008389.3, NM_001378232.1, NM_001378233.1 and 3 more transcripts); c.1383C>G, p.Pro461= (NM_001278614.2).
Identifiers: ClinVar variation 758144 (VCV000758144.12), dbSNP rs560744128, ClinGen allele CA7939212.
Genomic context (GRCh38, chr16:20,344,071, plus strand): 5'-TCTCTGGCCACACCTGACCATTGGCTGTAGGGCGGTCTTCAGGCTGACTTTCATGTCCAG[G>C]GGGTAGGAGCATGCAAAGTTGATTTTGATGTTGAGGTCACGGATGATGATCTCATCTGCC-3'
Protein context (NP_003352.2, residues 418-438): NIKINFACSY[Pro428=]LDMKVSLKTA

ClinVar aggregate classification (germline): Likely benign. Review status: criteria provided, multiple submitters, no conflicts (2 of 4 stars). 3 submissions from 3 submitters: Likely benign (3). Last evaluated 2026-01-24.

Conditions:
UMOD-related disorder. Also called: UMOD-related condition.

Allele frequency attached by ClinVar (database versions not stated): TOPMed 0.00002.
gnomAD v4.1: 28 of 1,613,898 alleles (0.0017%); highest among the groups gnomAD compares: East Asian, 0.016%; no homozygotes.

Submissions (3):

Labcorp Genetics (formerly Invitae), Labcorp
Classification: Likely benign. Last evaluated: 2026-01-24. Review status: criteria provided, single submitter. Criteria: Invitae Variant Classification Sherloc (09022015). Collection method: clinical testing. Allele origin: germline.

PreventionGenetics, part of Exact Sciences
Classification: Likely benign for UMOD-related condition. Last evaluated: 2025-11-10. Review status: criteria provided, single submitter. Criteria: ACMG Guidelines, 2015. Collection method: clinical testing. Allele origin: germline.
Comment: This variant is classified as likely benign based on ACMG/AMP sequence variant interpretation guidelines (Richards et al. 2015 PMID: 25741868, with internal and published modifications).

Blueprint Genetics
Classification: Likely benign. Last evaluated: 2023-09-05. Review status: criteria provided, single submitter. Criteria: ACMG Guidelines, 2015. Collection method: clinical testing. Allele origin: germline.